The following is an entry in ClinVar:

NM_005359.6(SMAD4):c.588C>T (p.Ser196=)

Gene: SMAD4 (SMAD family member 4; plus strand). Cytogenetic location: 18q21.2.
Variant type: single nucleotide variant.
Coding change: c.588C>T on transcript NM_005359.6 (MANE Select); coding-DNA position 588, C replaced by T.
Protein change: p.Ser196=; no amino-acid change (serine 196 retained).
Molecular consequence: synonymous variant. On other transcripts: non-coding transcript variant (2).
Genome position (GRCh38, 1-based): chr18:51,054,914, C>T. VCF-style: chr18-51054914-C-T. GRCh37 (hg19) VCF-style: chr18-48581284-C-T.
Other names: c.588C>T, p.Ser196= (NM_001407041.1, NM_001407042.1, NM_001407043.1).
Identifiers: ClinVar variation 2777993 (VCV002777993.5), dbSNP rs2144419060, ClinGen allele CA503873743.

ClinVar aggregate classification (germline): Benign/Likely benign. Review status: criteria provided, multiple submitters, no conflicts (2 of 4 stars). 3 submissions from 3 submitters: Benign (1); Likely benign (2). Last evaluated 2025-03-19.

Conditions:
Juvenile polyposis/hereditary hemorrhagic telangiectasia syndrome (JPHT). Also called: JP/HHT SYNDROME; JUVENILE POLYPOSIS WITH HEREDITARY HEMORRHAGIC TELANGIECTASIA; POLYPOSIS, GENERALIZED JUVENILE, WITH PULMONARY ARTERIOVENOUS MALFORMATION; TELANGIECTASIA, HEREDITARY HEMORRHAGIC, WITH JUVENILE POLYPOSIS COLI; Juvenile Polyposis Syndrome / Hereditary Hemorrhagic Telangiectasia (JPS/HHT). Identifiers: Orphanet 2929, MedGen C1832942, MONDO:0008278, OMIM 175050.
Juvenile polyposis syndrome (JPS). Identifiers: Orphanet 2929, MedGen C0345893, MONDO:0017380, OMIM 174900.
Hereditary cancer-predisposing syndrome. Also called: Neoplastic Syndromes, Hereditary; Tumor predisposition; Hereditary neoplastic syndrome; Hereditary Cancer Syndrome. Identifiers: Orphanet 140162, MedGen C0027672, MeSH D009386, MONDO:0015356.
Familial thoracic aortic aneurysm and aortic dissection (TAAD). Also called: Thoracic aortic aneurysms and dissections. Identifiers: Orphanet 91387, MedGen C4707243, MONDO:0019625.

Allele frequency attached by ClinVar (database versions not stated): gnomAD exomes below 0.00001.
gnomAD v4.1: 1 of 1,614,122 alleles (0.000062%); highest among the groups gnomAD compares: South Asian, 0.0011%; no homozygotes.

Submissions (3):

Myriad Genetics, Inc.
Classification: Benign for Juvenile polyposis/hereditary hemorrhagic telangiectasia syndrome. Last evaluated: 2025-03-19. Review status: criteria provided, single submitter. Criteria: Myriad Autosomal Dominant, Autosomal Recessive and X-Linked Classification Criteria (2023). Collection method: clinical testing. Allele origin: unknown.
Comment: This variant is considered benign. This variant is a silent/synonymous amino acid change and it is not expected to impact splicing.

Labcorp Genetics (formerly Invitae), Labcorp
Classification: Likely benign for Juvenile polyposis syndrome. Last evaluated: 2023-10-19. Review status: criteria provided, single submitter. Criteria: Invitae Variant Classification Sherloc (09022015). Collection method: clinical testing. Allele origin: germline.

Ambry Genetics
Classification: Likely benign for Hereditary cancer-predisposing syndrome; Familial thoracic aortic aneurysm and aortic dissection. Last evaluated: 2023-10-01. Review status: criteria provided, single submitter. Criteria: Ambry Variant Classification Scheme 2023. Collection method: clinical testing. Allele origin: germline.